The following is an entry in ClinVar:

NM_004698.4(PRPF3):c.1334A>G (p.Gln445Arg)

Gene: PRPF3 (pre-mRNA processing factor 3; plus strand). Cytogenetic location: 1q21.2.
Variant type: single nucleotide variant.
Coding change: c.1334A>G on transcript NM_004698.4 (MANE Select); coding-DNA position 1334, A replaced by G.
Protein change: p.Gln445Arg; replaces glutamine 445 with arginine.
Molecular consequence: missense variant. On other transcripts: non-coding transcript variant (4).
Genome position (GRCh38, 1-based): chr1:150,343,360, A>G. VCF-style: chr1-150343360-A-G. GRCh37 (hg19) VCF-style: chr1-150315836-A-G.
Other names: c.929A>G, p.Gln310Arg (NM_001350529.1); short protein forms Q310R, Q445R.
Identifiers: ClinVar variation 876286 (VCV000876286.12), dbSNP rs373571735, ClinGen allele CA1075612.

ClinVar aggregate classification (germline): Uncertain significance. Review status: criteria provided, multiple submitters, no conflicts (2 of 4 stars). 4 submissions from 4 submitters: Uncertain significance (4). Last evaluated 2024-11-25.

Conditions:
PRPF3-related disorder. Also called: PRPF3-related condition.
Retinitis pigmentosa (RP). Identifiers: Orphanet 791, MedGen C0035334, MeSH D012174, MONDO:0019200, OMIM 268000. Inheritance: Autosomal dominant, autosomal recessive and X linked inheritance.
Retinitis pigmentosa 18 (RP18). Also called: PRPF 3-Related Retinitis Pigmentosa. Identifiers: Orphanet 791, MedGen C1832378, MONDO:0011075, OMIM 601414.

Allele frequency attached by ClinVar (database versions not stated): gnomAD exomes below 0.00001 and 0.00004; ExAC 0.00001; gnomAD 0.00001; TOPMed 0.00002; ESP Exome Variant Server 0.00008.
gnomAD v4.1: 52 of 1,613,574 alleles (0.0032%); highest among the groups gnomAD compares: Non-Finnish European, 0.0044%; no homozygotes.

Submissions (4):

PreventionGenetics, part of Exact Sciences
Classification: Uncertain significance for PRPF3-related condition. Last evaluated: 2024-11-25. Review status: criteria provided, single submitter. Criteria: ACMG Guidelines, 2015. Collection method: clinical testing. Allele origin: germline.
Comment: The PRPF3 c.1334A>G variant is predicted to result in the amino acid substitution p.Gln445Arg. This variant was reported in the heterozygous state in an individual with Usher syndrome and two causative variants in ADGRV1 (Supplementary Table 1, Weisschuh et al. 2024. PubMed ID: 37734845). This variant is reported in 0.0015% of alleles in individuals of European (Non-Finnish) descent in gnomAD. At this time, the clinical significance of this variant is uncertain due to the absence of conclusive functional and genetic evidence.

Labcorp Genetics (formerly Invitae), Labcorp
Classification: Uncertain significance. Last evaluated: 2024-04-25. Review status: criteria provided, single submitter. Criteria: Invitae Variant Classification Sherloc (09022015). Collection method: clinical testing. Allele origin: germline.
Comment: This sequence change replaces glutamine, which is neutral and polar, with arginine, which is basic and polar, at codon 445 of the PRPF3 protein (p.Gln445Arg). This variant is present in population databases (rs373571735, gnomAD 0.002%). This variant has not been reported in the literature in individuals affected with PRPF3-related conditions. ClinVar contains an entry for this variant (Variation ID: 876286). Advanced modeling of protein sequence and biophysical properties (such as structural, functional, and spatial information, amino acid conservation, physicochemical variation, residue mobility, and thermodynamic stability) performed at Invitae indicates that this missense variant is not expected to disrupt PRPF3 protein function with a negative predictive value of 80%. In summary, the available evidence is currently insufficient to determine the role of this variant in disease. Therefore, it has been classified as a Variant of Uncertain Significance.

Blueprint Genetics
Classification: Uncertain significance. Last evaluated: 2019-12-30. Review status: criteria provided, single submitter. Criteria: ACMG Guidelines, 2015. Collection method: clinical testing. Allele origin: germline.

Illumina Laboratory Services, Illumina
Classification: Uncertain significance for Retinitis pigmentosa. Last evaluated: 2018-01-12. Review status: criteria provided, single submitter. Criteria: ICSL Variant Classification Criteria 13 December 2019. Collection method: clinical testing. Allele origin: germline.